The following is an entry in ClinVar:

NM_001130987.2(DYSF):c.2974G>C (p.Asp992His)

Gene: DYSF (dysferlin; plus strand). Cytogenetic location: 2p13.2.
Variant type: single nucleotide variant.
Coding change: c.2974G>C on transcript NM_001130987.2 (MANE Select); coding-DNA position 2974, G replaced by C.
Protein change: p.Asp992His; replaces aspartic acid 992 with histidine.
Molecular consequence: missense variant.
Genome position (GRCh38, 1-based): chr2:71,569,929, G>C. VCF-style: chr2-71569929-G-C. GRCh37 (hg19) VCF-style: chr2-71797059-G-C.
Other names: c.2923G>C, p.Asp975His (NM_001130455.2, NM_001130983.2); c.2878G>C, p.Asp960His (NM_001130976.2, NM_001130977.2); c.2920G>C, p.Asp974His (NM_001130978.2, NM_003494.4); c.3013G>C, p.Asp1005His (NM_001130979.2); c.2971G>C, p.Asp991His (NM_001130980.2, NM_001130981.2); c.3016G>C, p.Asp1006His (NM_001130982.2); c.2881G>C, p.Asp961His (NM_001130984.2, NM_001130986.2); c.2974G>C, p.Asp992His (NM_001130985.2); short protein forms D1005H, D991H, D1006H, D961H, D975H, D992H, D960H, D974H.
Identifiers: ClinVar variation 1388935 (VCV001388935.3), dbSNP rs200422222, ClinGen allele CA49745937.

ClinVar aggregate classification (germline): Uncertain significance (1 of 4 stars; one submission).

Conditions:
Neuromuscular disease caused by qualitative or quantitative defects of dysferlin. Also called: Qualitative or quantitative defects of dysferlin; Dysferlinopathy. Identifiers: Orphanet 207073, MedGen C2931687, MONDO:0016145.

Allele frequency attached by ClinVar (database versions not stated): 1000 Genomes Project 30x 0.00016; 1000 Genomes Project 0.00020.
gnomAD v4.1: 2 of 1,613,810 alleles (0.00012%); highest among the groups gnomAD compares: African/African-American, 0.0013%; no homozygotes.

Submission:

Labcorp Genetics (formerly Invitae), Labcorp
Classification: Uncertain significance for Neuromuscular disease caused by qualitative or quantitative defects of dysferlin. Last evaluated: 2022-04-28. Review status: criteria provided, single submitter. Criteria: Invitae Variant Classification Sherloc (09022015). Collection method: clinical testing. Allele origin: germline.
Comment: This sequence change replaces aspartic acid, which is acidic and polar, with histidine, which is basic and polar, at codon 974 of the DYSF protein (p.Asp974His). This variant is not present in population databases (gnomAD no frequency). This variant has not been reported in the literature in individuals affected with DYSF-related conditions. Advanced modeling of protein sequence and biophysical properties (such as structural, functional, and spatial information, amino acid conservation, physicochemical variation, residue mobility, and thermodynamic stability) performed at Invitae indicates that this missense variant is expected to disrupt DYSF protein function. In summary, the available evidence is currently insufficient to determine the role of this variant in disease. Therefore, it has been classified as a Variant of Uncertain Significance.